The following is an entry in ClinVar:

NM_000426.4(LAMA2):c.7005del (p.Asp2336fs)

Gene: LAMA2 (laminin subunit alpha 2; plus strand). Cytogenetic location: 6q22.33.
Variant type: Deletion.
Coding change: c.7005del on transcript NM_000426.4 (MANE Select); coding-DNA position 7005, one base deleted (A; older notation c.7005delA).
Protein change: p.Asp2336fs; shifts the reading frame from aspartic acid 2336.
Molecular consequence: frameshift variant.
Genome position (GRCh38, 1-based): chr6:129,464,302, A deleted; the last of 2 consecutive A bases (chr6:129,464,301-129,464,302); deleting either gives the same sequence. VCF-style (leftmost placement, unchanged base first): chr6-129464300-GA-G. GRCh37 (hg19) VCF-style: chr6-129785445-GA-G.
Other names: c.7005del, p.Asp2336fs (NM_001079823.2); short protein forms D2336fs.
Identifiers: ClinVar variation 3658148 (VCV003658148.2).

ClinVar aggregate classification (germline): Pathogenic (1 of 4 stars; one submission).

Conditions:
LAMA2-related muscular dystrophy (LAMA2-RD). Also called: Laminin alpha 2-related dystrophy. Identifiers: MedGen C5679788, MONDO:0100228.

Submission:

Labcorp Genetics (formerly Invitae), Labcorp
Classification: Pathogenic for LAMA2-related muscular dystrophy. Last evaluated: 2024-06-28. Review status: criteria provided, single submitter. Criteria: Invitae Variant Classification Sherloc (09022015). Collection method: clinical testing. Allele origin: germline.
Comment: This sequence change creates a premature translational stop signal (p.Asp2336Ilefs*42) in the LAMA2 gene. It is expected to result in an absent or disrupted protein product. Loss-of-function variants in LAMA2 are known to be pathogenic (PMID: 18700894, 32904964). This variant is not present in population databases (gnomAD no frequency). This variant has not been reported in the literature in individuals affected with LAMA2-related conditions. For these reasons, this variant has been classified as Pathogenic.

Literature cited by the submitters: PubMed 18700894; PubMed 32904964.